The following is an entry in ClinVar:

NM_032043.3(BRIP1):c.2365del (p.Asn788_Val789insTer)

Gene: BRIP1 (BRCA1 interacting DNA helicase 1; minus strand). Cytogenetic location: 17q23.2.
Variant type: Deletion.
Coding change: c.2365del on transcript NM_032043.3 (MANE Select); coding-DNA position 2365, one base deleted (G; older notation c.2365delG).
Protein change: p.Asn788_Val789insTer.
Molecular consequence: nonsense.
Genome position (GRCh38, 1-based): chr17:61,743,027, C deleted on the plus strand (G on the coding strand, the reverse complement: BRIP1 is on the minus strand). VCF-style (leftmost placement, unchanged base first): chr17-61743026-AC-A. GRCh37 (hg19) VCF-style: chr17-59820387-AC-A.
Identifiers: ClinVar variation 3228106 (VCV003228106.1), dbSNP rs2544825670, ClinGen allele CA2825002574.

ClinVar aggregate classification (germline): Pathogenic (1 of 4 stars; one submission).

Conditions:
Hereditary cancer-predisposing syndrome. Also called: Neoplastic Syndromes, Hereditary; Tumor predisposition; Hereditary neoplastic syndrome; Hereditary Cancer Syndrome. Identifiers: Orphanet 140162, MedGen C0027672, MeSH D009386, MONDO:0015356.

Submission:

Ambry Genetics
Classification: Pathogenic for Hereditary cancer-predisposing syndrome. Last evaluated: 2024-03-13. Review status: criteria provided, single submitter. Criteria: Ambry Variant Classification Scheme 2023. Collection method: clinical testing. Allele origin: germline.
Comment: The c.2365delG pathogenic mutation, located in coding exon 15 of the BRIP1 gene, results from a deletion of one nucleotide at nucleotide position 2365, causing a translational frameshift with a predicted alternate stop codon (p.V789*). This alteration is expected to result in loss of function by premature protein truncation or nonsense-mediated mRNA decay. As such, this alteration is interpreted as a disease-causing mutation.